The following is an entry in ClinVar:

ClinVar aggregate classification (germline): Uncertain significance (1 of 4 stars; one submission).

Conditions:
2-aminoadipic 2-oxoadipic aciduria (AAKAD). Also called: Aminoadipic aciduria; ALPHA-AMINOADIPIC AND ALPHA-KETOADIPIC ACIDURIA. Identifiers: Orphanet 79154, MedGen C1859817, MONDO:0008774, OMIM 204750.

gnomAD v4.1: 4 of 1,613,840 alleles (0.00025%); highest among the groups gnomAD compares: Non-Finnish European, 0.00025%; no homozygotes.

Submission:

Labcorp Genetics (formerly Invitae), Labcorp
Classification: Uncertain significance for 2-aminoadipic 2-oxoadipic aciduria. Last evaluated: 2025-11-18. Review status: criteria provided, single submitter. Criteria: Invitae Variant Classification Sherloc (09022015). Collection method: clinical testing. Allele origin: germline.
Comment: This sequence change replaces leucine, which is neutral and non-polar, with phenylalanine, which is neutral and non-polar, at codon 887 of the DHTKD1 protein (p.Leu887Phe). This variant is present in population databases (rs754560764, gnomAD 0.0009%). This variant has not been reported in the literature in individuals affected with DHTKD1-related conditions. An algorithm developed to predict the effect of missense changes on protein structure and function (PolyPhen-2) suggests that this variant is likely to be disruptive. In summary, the available evidence is currently insufficient to determine the role of this variant in disease. Therefore, it has been classified as a Variant of Uncertain Significance.

NM_018706.7(DHTKD1):c.2659C>T (p.Leu887Phe)

Gene: DHTKD1 (dehydrogenase E1 and transketolase domain containing 1; plus strand). Cytogenetic location: 10p14.
Variant type: single nucleotide variant.
Coding change: c.2659C>T on transcript NM_018706.7 (MANE Select); coding-DNA position 2659, C replaced by T.
Protein change: p.Leu887Phe; replaces leucine 887 with phenylalanine.
Molecular consequence: missense variant.
Genome position (GRCh38, 1-based): chr10:12,120,787, C>T. VCF-style: chr10-12120787-C-T. GRCh37 (hg19) VCF-style: chr10-12162786-C-T.
Other names: short protein forms L887F.
Identifiers: ClinVar variation 4731426 (VCV004731426.1).